The following is an entry in ClinVar:

NM_001244008.2(KIF1A):c.2162G>T (p.Arg721Leu)

Gene: KIF1A (kinesin family member 1A; minus strand). Cytogenetic location: 2q37.3.
Variant type: single nucleotide variant.
Coding change: c.2162G>T on transcript NM_001244008.2 (MANE Select); coding-DNA position 2162, G replaced by T.
Protein change: p.Arg721Leu; replaces arginine 721 with leucine.
Molecular consequence: missense variant.
Genome position (GRCh38, 1-based): chr2:240,761,332, C>A on the plus strand (G>T on the coding strand, the complement: KIF1A is on the minus strand). VCF-style: chr2-240761332-C-A. GRCh37 (hg19) VCF-style: chr2-241700749-C-A.
Other names: c.2162G>T, p.Arg721Leu (NM_001320705.2, NM_001330289.2, NM_001379638.1); c.2237G>T, p.Arg746Leu (NM_001330290.2, NM_001379631.1, NM_001379634.1 and 2 more transcripts); c.2135G>T, p.Arg712Leu (NM_001379632.1, NM_001379633.1, NM_001379636.1 and 10 more transcripts); c.2210G>T, p.Arg737Leu (NM_001379637.1, NM_001379648.1); short protein forms R712L, R737L, R721L, R746L.
Identifiers: ClinVar variation 1516425 (VCV001516425.8), dbSNP rs1159860840, ClinGen allele CA351325538.

ClinVar aggregate classification (germline): Uncertain significance (1 of 4 stars; one submission).

Conditions:
Hereditary spastic paraplegia 30. Identifiers: Orphanet 101010, MedGen C5235139, MONDO:0012476.
Neuropathy, hereditary sensory, type 2C. Also called: Hereditary sensory and autonomic neuropathy type IIC; KIF1A-Related HSAN2 (HSAN2C). Identifiers: Orphanet 970, MedGen C3280168, MONDO:0013634, OMIM 614213.
Intellectual disability, autosomal dominant 9 (NESCAVS). Also called: NESCAV SYNDROME; KIF1A-Related Neurodevelopmental Disorder. Identifiers: Orphanet 662367, MedGen C5393830, MONDO:0013656, OMIM 614255.

Allele frequency attached by ClinVar (database versions not stated): TOPMed below 0.00001; gnomAD 0.00001.
gnomAD v4.1: 3 of 1,613,412 alleles (0.00019%); highest among the groups gnomAD compares: Non-Finnish European, 0.00025%; no homozygotes.

Submission:

Labcorp Genetics (formerly Invitae), Labcorp
Classification: Uncertain significance for Hereditary spastic paraplegia 30; Neuropathy, hereditary sensory, type 2C; Intellectual disability, autosomal dominant 9. Last evaluated: 2021-01-13. Review status: criteria provided, single submitter. Criteria: Invitae Variant Classification Sherloc (09022015). Collection method: clinical testing. Allele origin: germline.
Comment: In summary, the available evidence is currently insufficient to determine the role of this variant in disease. Therefore, it has been classified as a Variant of Uncertain Significance. Algorithms developed to predict the effect of missense changes on protein structure and function (SIFT, PolyPhen-2, Align-GVGD) all suggest that this variant is likely to be tolerated, but these predictions have not been confirmed by published functional studies and their clinical significance is uncertain. This variant has not been reported in the literature in individuals with KIF1A-related conditions. This variant is not present in population databases (ExAC no frequency). This sequence change replaces arginine with leucine at codon 712 of the KIF1A protein (p.Arg712Leu). The arginine residue is highly conserved and there is a moderate physicochemical difference between arginine and leucine.